The following is an entry in ClinVar:

ClinVar aggregate classification (germline): Uncertain significance (1 of 4 stars; one submission).

Conditions:
Developmental and epileptic encephalopathy, 42 (DEE42A). Also called: DEVELOPMENTAL AND EPILEPTIC ENCEPHALOPATHY 42A; EPILEPTIC ENCEPHALOPATHY, EARLY INFANTILE, 42A; Epileptic encephalopathy, early infantile, 42. Identifiers: MedGen C4310716, MONDO:0014917, OMIM 617106.
Episodic ataxia type 2 (EA2). Also called: ATAXIA, EPISODIC, WITH NYSTAGMUS; ATAXIA, FAMILIAL PAROXYSMAL; CEREBELLAR ATAXIA, PAROXYSMAL, ACETAZOLAMIDE-RESPONSIVE; CEREBELLOPATHY, HEREDITARY PAROXYSMAL; EPISODIC ATAXIA, NYSTAGMUS-ASSOCIATED; ACETAZOLAMIDE-RESPONSIVE HEREDITARY PAROXYSMAL CEREBELLAR ATAXIA. Identifiers: Orphanet 97, MedGen C1720416, MONDO:0007163, OMIM 108500.

Submission:

Labcorp Genetics (formerly Invitae), Labcorp
Classification: Uncertain significance for Developmental and epileptic encephalopathy, 42; Episodic ataxia type 2. Last evaluated: 2021-05-25. Review status: criteria provided, single submitter. Criteria: Invitae Variant Classification Sherloc (09022015). Collection method: clinical testing. Allele origin: germline.
Comment: In summary, the available evidence is currently insufficient to determine the role of this variant in disease. Therefore, it has been classified as a Variant of Uncertain Significance. Advanced modeling of protein sequence and biophysical properties (such as structural, functional, and spatial information, amino acid conservation, physicochemical variation, residue mobility, and thermodynamic stability) performed at Invitae indicates that this missense variant is expected to disrupt CACNA1A protein function. This variant has not been reported in the literature in individuals with CACNA1A-related conditions. This variant is not present in population databases (ExAC no frequency). This sequence change replaces phenylalanine with valine at codon 1309 of the CACNA1A protein (p.Phe1309Val). The phenylalanine residue is highly conserved and there is a small physicochemical difference between phenylalanine and valine.

NM_001127222.2(CACNA1A):c.3922T>G (p.Phe1308Val)

Genes: CACNA1A (calcium voltage-gated channel subunit alpha1 A; minus strand), LOC126862865 (CDK7 strongly-dependent group 2 enhancer GRCh37_chr19:13385818-13387017; plus strand). Cytogenetic location: 19p13.13.
Variant type: single nucleotide variant.
Coding change: c.3922T>G on transcript NM_001127222.2 (MANE Select); coding-DNA position 3922, T replaced by G.
Protein change: p.Phe1308Val; replaces phenylalanine 1308 with valine.
Molecular consequence: missense variant.
Genome position (GRCh38, 1-based): chr19:13,275,917, A>C on the plus strand (T>G on the coding strand, the complement: CACNA1A is on the minus strand). VCF-style: chr19-13275917-A-C. GRCh37 (hg19) VCF-style: chr19-13386731-A-C.
Other names: c.3934T>G, p.Phe1312Val (NM_000068.4, NM_023035.3); c.3925T>G, p.Phe1309Val (NM_001127221.2, NM_001174080.2); short protein forms F1308V, F1309V, F1312V.
Identifiers: ClinVar variation 1485911 (VCV001485911.8), dbSNP rs2144833436, ClinGen allele CA404340277.
Genomic context (GRCh38, chr19:13,275,917, plus strand): 5'-CAAAGGCTACCAGGGCCCCACTGACCACTATGAAGTCGAGAATATTCCAGAGGTCACGGA[A>C]GTAGGCACCCTGATGCAGGACGAGCCCCAGGTCAATCATCTGTGGGGGAGAAGAGAGGGT-3'
Protein context (NP_001120694.1, residues 1298-1318): LGLVLHQGAY[Phe1308Val]RDLWNILDFI